The following is an entry in ClinVar:

NM_006306.4(SMC1A):c.112A>G (p.Lys38Glu)

Gene: SMC1A (structural maintenance of chromosomes 1A; minus strand). Cytogenetic location: Xp11.22.
Variant type: single nucleotide variant.
Coding change: c.112A>G on transcript NM_006306.4 (MANE Select); coding-DNA position 112, A replaced by G.
Protein change: p.Lys38Glu; replaces lysine 38 with glutamic acid.
Molecular consequence: missense variant.
Genome position (GRCh38, 1-based): chrX:53,415,167, T>C on the plus strand (A>G on the coding strand, the complement: SMC1A is on the minus strand). VCF-style: chrX-53415167-T-C. GRCh37 (hg19) VCF-style: chrX-53442116-T-C.
Other names: c.46A>G, p.Lys16Glu (NM_001281463.1); short protein forms K16E, K38E.
Identifiers: ClinVar variation 4714215 (VCV004714215.1).

ClinVar aggregate classification (germline): Uncertain significance (1 of 4 stars; one submission).

Conditions:
Congenital muscular hypertrophy-cerebral syndrome (CDLS2). Also called: Cornelia de Lange syndrome 2; SMC1A-Related Cornelia de Lange Syndrome. Identifiers: Orphanet 199, MedGen C1802395, MONDO:0010370, OMIM 300590.

Submission:

Labcorp Genetics (formerly Invitae), Labcorp
Classification: Uncertain significance for Congenital muscular hypertrophy-cerebral syndrome. Last evaluated: 2025-03-10. Review status: criteria provided, single submitter. Criteria: Invitae Variant Classification Sherloc (09022015). Collection method: clinical testing. Allele origin: germline.
Comment: This sequence change replaces lysine, which is basic and polar, with glutamic acid, which is acidic and polar, at codon 38 of the SMC1A protein (p.Lys38Glu). This variant is not present in population databases (gnomAD no frequency). This variant has not been reported in the literature in individuals affected with SMC1A-related conditions. An algorithm developed to predict the effect of missense changes on protein structure and function (PolyPhen-2) suggests that this variant is likely to be disruptive. In summary, the available evidence is currently insufficient to determine the role of this variant in disease. Therefore, it has been classified as a Variant of Uncertain Significance.